The following is an entry in ClinVar:

NM_000038.6(APC):c.2843del (p.Ser948fs)

Gene: APC (APC regulator of Wnt signaling pathway; plus strand). Cytogenetic location: 5q22.2.
Variant type: Deletion.
Coding change: c.2843del on transcript NM_000038.6 (MANE Select); coding-DNA position 2843, one base deleted (C; older notation c.2843delC).
Protein change: p.Ser948fs; shifts the reading frame from serine 948.
Molecular consequence: frameshift variant.
Genome position (GRCh38, 1-based): chr5:112,838,437, C deleted. VCF-style (leftmost placement, unchanged base first): chr5-112838436-TC-T. GRCh37 (hg19) VCF-style: chr5-112174133-TC-T.
Other names: c.2843del, p.Ser948fs (NM_001127510.3, NM_001354895.2); c.2789del, p.Ser930fs (NM_001127511.3); c.2897del, p.Ser966fs (NM_001354896.2); c.2873del, p.Ser958fs (NM_001354897.2); c.2768del, p.Ser923fs (NM_001354898.2); c.2759del, p.Ser920fs (NM_001354899.2); c.2720del, p.Ser907fs (NM_001354900.2); c.2666del, p.Ser889fs (NM_001354901.2); and 16 more; short protein forms S788fs, S920fs, S665fs, S907fs, S923fs, S930fs, S958fs, S822fs.
Identifiers: ClinVar variation 1796741 (VCV001796741.4), dbSNP rs2533453941, ClinGen allele CA2580072803.

ClinVar aggregate classification (germline): Pathogenic. Review status: criteria provided, multiple submitters, no conflicts (2 of 4 stars). 2 submissions from 2 submitters: Pathogenic (2). Last evaluated 2023-05-05.

Conditions:
Hereditary cancer-predisposing syndrome. Also called: Tumor predisposition; Hereditary Cancer Syndrome; Neoplastic Syndromes, Hereditary; Hereditary neoplastic syndrome. Identifiers: Orphanet 140162, MedGen C0027672, MeSH D009386, MONDO:0015356.
Familial adenomatous polyposis 1 (FAP1). Also called: FAMILIAL ADENOMATOUS POLYPOSIS 1, ATTENUATED; POLYPOSIS, ADENOMATOUS INTESTINAL. Identifiers: MedGen C2713442, MONDO:0021056, OMIM 175100. Disease mechanism: loss of function.

Submissions (2):

Myriad Genetics, Inc.
Classification: Pathogenic for Familial adenomatous polyposis 1. Last evaluated: 2023-05-05. Review status: criteria provided, single submitter. Criteria: Myriad Autosomal Dominant, Autosomal Recessive and X-Linked Classification Criteria (2023). Collection method: clinical testing. Allele origin: unknown.
Comment: This variant is considered pathogenic. This variant creates a frameshift predicted to result in premature protein truncation.

Ambry Genetics
Classification: Pathogenic for Hereditary cancer-predisposing syndrome. Last evaluated: 2017-09-27. Review status: criteria provided, single submitter. Criteria: Ambry Variant Classification Scheme 2023. Collection method: clinical testing. Allele origin: germline.
Comment: The c.2843delC pathogenic mutation, located in coding exon 15 of the APC gene, results from a deletion of one nucleotide at nucleotide position 2843, causing a translational frameshift with a predicted alternate stop codon (p.S948Lfs*7). This alteration is expected to result in loss of function by premature protein truncation or nonsense-mediated mRNA decay. As such, this alteration is interpreted as a disease-causing mutation.